The following is an entry in ClinVar:

ClinVar aggregate classification (germline): Uncertain significance. Review status: criteria provided, multiple submitters, no conflicts (2 of 4 stars). 2 submissions from 2 submitters: Uncertain significance (2). Last evaluated 2025-01-22.

Conditions:
Methylmalonic acidemia with homocystinuria, type cblX (MAHCX). Also called: INTELLECTUAL DEVELOPMENTAL DISORDER, X-LINKED 3. Identifiers: Orphanet 369962, MedGen C0796208, MONDO:0010657, OMIM 309541.

Submissions (2):

GeneDx
Classification: Uncertain significance. Last evaluated: 2025-01-22. Review status: criteria provided, single submitter. Criteria: GeneDx Variant Classification Process June 2021. Collection method: clinical testing. Allele origin: germline. Affected: yes.
Comment: Not observed at significant frequency in large population cohorts (gnomAD); In silico analysis indicates that this missense variant does not alter protein structure/function; Has not been previously published as pathogenic or benign to our knowledge

Victorian Clinical Genetics Services, Murdoch Childrens Research Institute
Classification: Uncertain significance for Methylmalonic acidemia with homocystinuria, type cblX. Last evaluated: 2023-07-17. Review status: criteria provided, single submitter. Criteria: ACMG Guidelines, 2015. Collection method: clinical testing. Allele origin: germline. Inheritance: X-linked recessive inheritance. Affected: yes.
Comment: Based on the classification scheme VCGS_Germline_v1.3.4, this variant is classified as VUS-3B. Following criteria are met: 0102 - Loss of function is a known mechanism of disease in this gene and is associated with methylmalonic aciduria and homocysteinemia, cblX type (MIM#309541). (I) 0109 - This gene is associated with X-linked recessive disease. (I) 0200 - Variant is predicted to result in a missense amino acid change from glycine to aspartic acid. (I) 0253 - This variant is hemizygous. (I) 0301 - Variant is absent from gnomAD (both v2 and v3). (SP) 0309 - An alternative amino acid change at the same position has been observed in gnomAD (v2: 0 heterozygotes, 0 homozygotes, 1 hemizygote). (I) 0502 - Missense variant consistently predicted to be tolerated by multiple in silico tools but is highly conserved. (I) 0604 - Variant is not located in an established domain, motif, hotspot or informative constraint region. (I) 0705 - No comparable missense variants have previous evidence for pathogenicity. (I) 0807 - This variant has no previous evidence of pathogenicity. (I) 0905 - No published segregation evidence has been identified for this variant. (I) 1007 - No published functional evidence has been identified for this variant. (I) Legend: (SP) - Supporting pathogenic, (I) - Information, (SB) - Supporting benign

NM_005334.3(HCFC1):c.5030G>A (p.Gly1677Asp)

Gene: HCFC1 (host cell factor C1; minus strand). Cytogenetic location: Xq28.
Variant type: single nucleotide variant.
Coding change: c.5030G>A on transcript NM_005334.3 (MANE Select); coding-DNA position 5030, G replaced by A.
Protein change: p.Gly1677Asp; replaces glycine 1677 with aspartic acid.
Molecular consequence: missense variant.
Genome position (GRCh38, 1-based): chrX:153,952,071, C>T on the plus strand (G>A on the coding strand, the complement: HCFC1 is on the minus strand). VCF-style: chrX-153952071-C-T. GRCh37 (hg19) VCF-style: chrX-153217522-C-T.
Other names: c.5165G>A, p.Gly1722Asp (NM_001410705.1); short protein forms G1677D, G1722D.
Identifiers: ClinVar variation 3254782 (VCV003254782.2), dbSNP rs2065318110.